The following is an entry in ClinVar:

ClinVar aggregate classification (germline): Uncertain significance (1 of 4 stars; one submission).

Submission:

Labcorp Genetics (formerly Invitae), Labcorp
Classification: Uncertain significance. Last evaluated: 2021-09-16. Review status: criteria provided, single submitter. Criteria: Invitae Variant Classification Sherloc (09022015). Collection method: clinical testing. Allele origin: germline.
Comment: A copy number gain of the genomic region encompassing the full coding sequence of the SH2B1 gene has been identified. The boundaries of this event are unknown as they extend beyond the assayed region for this gene and therefore may encompass additional genes. As the precise location of this event is unknown, it may be in tandem or it may be located elsewhere in the genome. This variant has not been reported in the literature in individuals affected with SH2B1-related conditions. In summary, the available evidence is currently insufficient to determine the role of this variant in disease. Therefore, it has been classified as a Variant of Uncertain Significance.

NC_000016.9:g.(?_28835713)_(28917080_?)dup

Genes: ATP2A1 (ATPase sarcoplasmic/endoplasmic reticulum Ca2+ transporting 1; plus strand), ATXN2L (ataxin 2 like; plus strand), RABEP2 (rabaptin, RAB GTPase binding effector protein 2; minus strand), SH2B1 (SH2B adaptor protein 1; plus strand), TUFM (Tu translation elongation factor, mitochondrial; minus strand). Cytogenetic location: 16p11.2.
Variant type: Duplication.
Identifiers: ClinVar variation 1373701 (VCV001373701.5).